The following is an entry in ClinVar:

ClinVar aggregate classification (germline): Uncertain significance (1 of 4 stars; one submission).

gnomAD v4.1: 3 of 1,613,900 alleles (0.00019%); highest among the groups gnomAD compares: African/African-American, 0.0013%; no homozygotes.

Submission:

Ambry Genetics
Classification: Uncertain significance. Last evaluated: 2025-07-14. Review status: criteria provided, single submitter. Criteria: Ambry Variant Classification Scheme 2023. Collection method: clinical testing. Allele origin: germline.
Comment: The p.H1035R variant (also known as c.3104A>G), located in coding exon 12 of the CDK12 gene, results from an A to G substitution at nucleotide position 3104. The histidine at codon 1035 is replaced by arginine, an amino acid with highly similar properties. This amino acid position is conserved. In addition, this alteration is predicted to be tolerated by in silico analysis. Based on the available evidence, the clinical significance of this variant remains unclear.

NM_016507.4(CDK12):c.3104A>G (p.His1035Arg)

Gene: CDK12 (cyclin dependent kinase 12; plus strand). Cytogenetic location: 17q12.
Variant type: single nucleotide variant.
Coding change: c.3104A>G on transcript NM_016507.4 (MANE Select); coding-DNA position 3104, A replaced by G.
Protein change: p.His1035Arg; replaces histidine 1035 with arginine.
Molecular consequence: missense variant.
Genome position (GRCh38, 1-based): chr17:39,524,682, A>G. VCF-style: chr17-39524682-A-G. GRCh37 (hg19) VCF-style: chr17-37680935-A-G.
Other names: c.3104A>G, p.His1035Arg (NM_015083.4); short protein forms H1035R.
Identifiers: ClinVar variation 4224288 (VCV004224288.1).